The following is an entry in ClinVar:

ClinVar aggregate classification (germline): Uncertain significance (1 of 4 stars; one submission).

Submission:

Labcorp Genetics (formerly Invitae), Labcorp
Classification: Uncertain significance. Last evaluated: 2025-08-29. Review status: criteria provided, single submitter. Criteria: Invitae Variant Classification Sherloc (09022015). Collection method: clinical testing. Allele origin: germline.
Comment: This sequence change replaces alanine, which is neutral and non-polar, with proline, which is neutral and non-polar, at codon 165 of the NTRK2 protein (p.Ala165Pro). This variant is not present in population databases (gnomAD no frequency). This variant has not been reported in the literature in individuals affected with NTRK2-related conditions. Invitae Evidence Modeling of protein sequence and biophysical properties (such as structural, functional, and spatial information, amino acid conservation, physicochemical variation, residue mobility, and thermodynamic stability) indicates that this missense variant is not expected to disrupt NTRK2 protein function with a negative predictive value of 80%. In summary, the available evidence is currently insufficient to determine the role of this variant in disease. Therefore, it has been classified as a Variant of Uncertain Significance.

NM_006180.6(NTRK2):c.493G>C (p.Ala165Pro)

Gene: NTRK2 (neurotrophic receptor tyrosine kinase 2; plus strand). Cytogenetic location: 9q21.33.
Variant type: single nucleotide variant.
Coding change: c.493G>C on transcript NM_006180.6 (MANE Select); coding-DNA position 493, G replaced by C.
Protein change: p.Ala165Pro; replaces alanine 165 with proline.
Molecular consequence: missense variant.
Genome position (GRCh38, 1-based): chr9:84,710,701, G>C. VCF-style: chr9-84710701-G-C. GRCh37 (hg19) VCF-style: chr9-87325616-G-C.
Other names: c.493G>C, p.Ala165Pro (NM_001007097.3, NM_001018064.3, NM_001018065.2 and 18 more transcripts); c.25G>C, p.Ala9Pro (NM_001369535.1, NM_001369536.1, NM_001369550.1 and 2 more transcripts); short protein forms A9P, A165P.
Identifiers: ClinVar variation 4741515 (VCV004741515.1).